The following is an entry in ClinVar:

NM_004628.5(XPC):c.958C>T (p.Gln320Ter)

Gene: XPC (XPC complex subunit, DNA damage recognition and repair factor; minus strand). Cytogenetic location: 3p25.1.
Variant type: single nucleotide variant.
Coding change: c.958C>T on transcript NM_004628.5 (MANE Select); coding-DNA position 958, C replaced by T.
Protein change: p.Gln320Ter; replaces glutamine 320 with a stop codon.
Molecular consequence: nonsense. On other transcripts: non-coding transcript variant (2).
Genome position (GRCh38, 1-based): chr3:14,159,773, G>A on the plus strand (C>T on the coding strand, the complement: XPC is on the minus strand). VCF-style: chr3-14159773-G-A. GRCh37 (hg19) VCF-style: chr3-14201273-G-A.
Other names: c.379C>T, p.Gln127Ter (NM_001354726.2); c.958C>T, p.Gln320Ter (NM_001354727.2, NM_001354730.2); c.940C>T, p.Gln314Ter (NM_001354729.2); short protein forms Q320*, Q127*, Q314*.
Identifiers: ClinVar variation 551337 (VCV000551337.9), dbSNP rs867461743, ClinGen allele CA69754557.
Genomic context (GRCh38, chr3:14,159,773, plus strand): 5'-TCTTCTCTGGCAGCCCTGCGCACCTCACCTTTGCTGTTGCTGACTTCAGAGGAATTGGCT[G>A]TAGAGACAATACCAGCCGGGTCAAGAGCTGCAGAGCCCGGAGAATCAGTAAGAATATCTA-3'

ClinVar aggregate classification (germline): Pathogenic. Review status: criteria provided, multiple submitters, no conflicts (2 of 4 stars). 3 submissions from 3 submitters: Pathogenic (2). 1 of the submissions does not count toward it. Last evaluated 2023-09-06.

Conditions:
Xeroderma pigmentosum, group C (XPC). Also called: Xeroderma pigmentosum, complementation group C; XERODERMA PIGMENTOSUM III; XP, GROUP C; XPC-Related Xeroderma Pigmentosum. Identifiers: Orphanet 910, MedGen C2752147, MONDO:0010211, OMIM 278720.

Allele frequency attached by ClinVar (database versions not stated): gnomAD exomes below 0.00001.
gnomAD v4.1: 3 of 1,563,854 alleles (0.00019%); highest among the groups gnomAD compares: East Asian, 0.0024%; no homozygotes.

Submissions (3):

Baylor Genetics
Classification: Pathogenic for Xeroderma pigmentosum, group C. Last evaluated: 2023-09-06. Review status: criteria provided, single submitter. Criteria: ACMG Guidelines, 2015. Collection method: clinical testing. Allele origin: unknown.

Labcorp Genetics (formerly Invitae), Labcorp
Classification: Pathogenic. Last evaluated: 2021-09-24. Review status: criteria provided, single submitter. Criteria: Invitae Variant Classification Sherloc (09022015). Collection method: clinical testing. Allele origin: germline.
Comment: ClinVar contains an entry for this variant (Variation ID: 551337). For these reasons, this variant has been classified as Pathogenic. Experimental studies are conflicting or provide insufficient evidence to determine the effect of this variant on XPC function (PMID: 28669926). Algorithms developed to predict the effect of variants on protein structure and function are not available or were not evaluated for this variant. This premature translational stop signal has been observed in individual(s) with xeroderma pigmentosum (PMID: 28669926). This variant is not present in population databases (ExAC no frequency). This sequence change creates a premature translational stop signal (p.Gln320*) in the XPC gene. It is expected to result in an absent or disrupted protein product. Loss-of-function variants in XPC are known to be pathogenic (PMID: 23173980, 25256075).

Counsyl
Classification: Likely pathogenic for Xeroderma pigmentosum, group C. Last evaluated: 2017-03-31. Review status: no assertion criteria provided. Collection method: clinical testing. Allele origin: unknown. Not counted in ClinVar's aggregate classification.

Literature cited by the submitters: PubMed 28669926 (cited by Labcorp Genetics (formerly Invitae), Labcorp); PubMed 23173980 (cited by Labcorp Genetics (formerly Invitae), Labcorp); PubMed 25256075 (cited by Labcorp Genetics (formerly Invitae), Labcorp).